The following is an entry in ClinVar:

ClinVar aggregate classification (germline): Conflicting classifications of pathogenicity. Review status: criteria provided, conflicting classifications (1 of 4 stars). 3 submissions from 3 submitters: Uncertain significance (1); Likely benign (2). Last evaluated 2022-03-01.

Conditions:
Inborn genetic diseases. Identifiers: MedGen C0950123, MeSH D030342.

Allele frequency attached by ClinVar (database versions not stated): gnomAD 0.00001; gnomAD exomes 0.00001 and 0.00004; TOPMed 0.00002; ExAC 0.00005; ESP Exome Variant Server 0.00008.
gnomAD v4.1: 22 of 1,613,728 alleles (0.0014%); highest among the groups gnomAD compares: Non-Finnish European, 0.0019%; no homozygotes.

Submissions (3):

CeGaT Center for Human Genetics Tuebingen
Classification: Uncertain significance. Last evaluated: 2022-03-01. Review status: criteria provided, single submitter. Criteria: CeGaT Center For Human Genetics Tuebingen Variant Classification Criteria Version 2. Collection method: clinical testing. Allele origin: germline. Affected: yes. Observed: 1 variant allele.

Centre of Medical Genetics, University Hospital Muenster
Classification: Likely benign. Last evaluated: 2022-02-01. Review status: criteria provided, single submitter. Criteria: ACMG Guidelines, 2015. Collection method: clinical testing. Allele origin: unknown. Affected: yes. Observed: 1 variant allele, 1 heterozygote.
Comment: ACMG categories: PM1,PP2,BS2,BP4

Ambry Genetics
Classification: Likely benign for Inborn genetic diseases. Last evaluated: 2021-06-25. Review status: criteria provided, single submitter. Criteria: Ambry Variant Classification Scheme 2023. Collection method: clinical testing. Allele origin: germline.

NM_001394062.1(MACF1):c.21227C>T (p.Pro7076Leu)

Gene: MACF1 (microtubule actin crosslinking factor 1; plus strand). Cytogenetic location: 1p34.3.
Variant type: single nucleotide variant.
Coding change: c.21227C>T on transcript NM_001394062.1 (MANE Select); coding-DNA position 21227, C replaced by T.
Protein change: p.Pro7076Leu; replaces proline 7076 with leucine.
Molecular consequence: missense variant.
Genome position (GRCh38, 1-based): chr1:39,459,116, C>T. VCF-style: chr1-39459116-C-T. GRCh37 (hg19) VCF-style: chr1-39924788-C-T.
Other names: c.15050C>T, p.Pro5017Leu (NM_012090.5); c.15050C>T (NM_012090.4); short protein forms P5017L, P7076L.
Identifiers: ClinVar variation 1675359 (VCV001675359.38), dbSNP rs368764004, ClinGen allele CA784617.
Genomic context (GRCh38, chr1:39,459,116, plus strand): 5'-TTCTAATCTTGTGATTATTTTTCCTTTTAGGGAAATCCCTAAGTCAGCCAACCCCTCCTC[C>T]CATGCCAATCCTTTCACAGTCTGAAGCAAAAAACCCACGGATCAACCAGCTTTCTGCCCG-3'
Protein context (NP_001380991.1, residues 7066-7086): RKSLSQPTPP[Pro7076Leu]MPILSQSEAK